The following is an entry in ClinVar:

NM_020207.7(ERCC6L2):c.25C>G (p.Arg9Gly)

Gene: ERCC6L2 (ERCC excision repair 6 like 2; plus strand). Cytogenetic location: 9q22.32.
Variant type: single nucleotide variant.
Coding change: c.25C>G on transcript NM_020207.7 (MANE Select); coding-DNA position 25, C replaced by G.
Protein change: p.Arg9Gly; replaces arginine 9 with glycine.
Molecular consequence: missense variant. On other transcripts: non-coding transcript variant (1).
Genome position (GRCh38, 1-based): chr9:95,876,063, C>G. VCF-style: chr9-95876063-C-G. GRCh37 (hg19) VCF-style: chr9-98638345-C-G.
Other names: c.25C>G, p.Arg9Gly (NM_001010895.4, NM_001375291.1, NM_001375292.1 and 2 more transcripts); short protein forms R9G.
Identifiers: ClinVar variation 3845893 (VCV003845893.1).

ClinVar aggregate classification (germline): Uncertain significance (1 of 4 stars; one submission).

Conditions:
Inborn genetic diseases. Identifiers: MedGen C0950123, MeSH D030342.

gnomAD v4.1: 3 of 1,584,060 alleles (0.00019%); highest among the groups gnomAD compares: South Asian, 0.0012%; no homozygotes.

Submission:

Ambry Genetics
Classification: Uncertain significance for Inborn genetic diseases. Last evaluated: 2025-01-24. Review status: criteria provided, single submitter. Criteria: Ambry Variant Classification Scheme 2023. Collection method: clinical testing. Allele origin: germline.
Comment: The p.R9G variant (also known as c.25C>G), located in coding exon 1 of the ERCC6L2 gene, results from a C to G substitution at nucleotide position 25. The arginine at codon 9 is replaced by glycine, an amino acid with dissimilar properties. This amino acid position is conserved. In addition, this alteration is predicted to be tolerated by in silico analysis. Based on the available evidence, the clinical significance of this variant remains unclear.